The following is an entry in ClinVar:

ClinVar aggregate classification (germline): Uncertain significance (1 of 4 stars; one submission).

Conditions:
ANKRD1-related dilated cardiomyopathy. Identifiers: MedGen CN119551.

Allele frequency attached by ClinVar (database versions not stated): gnomAD exomes below 0.00001.

Submission:

Labcorp Genetics (formerly Invitae), Labcorp
Classification: Uncertain significance for ANKRD1-related dilated cardiomyopathy. Last evaluated: 2023-05-23. Review status: criteria provided, single submitter. Criteria: Invitae Variant Classification Sherloc (09022015). Collection method: clinical testing. Allele origin: germline.
Comment: This sequence change replaces arginine, which is basic and polar, with histidine, which is basic and polar, at codon 264 of the ANKRD1 protein (p.Arg264His). This variant is not present in population databases (gnomAD no frequency). This variant has not been reported in the literature in individuals affected with ANKRD1-related conditions. ClinVar contains an entry for this variant (Variation ID: 1715051). Advanced modeling of protein sequence and biophysical properties (such as structural, functional, and spatial information, amino acid conservation, physicochemical variation, residue mobility, and thermodynamic stability) performed at Invitae indicates that this missense variant is not expected to disrupt ANKRD1 protein function. In summary, the available evidence is currently insufficient to determine the role of this variant in disease. Therefore, it has been classified as a Variant of Uncertain Significance.

NM_014391.3(ANKRD1):c.791G>A (p.Arg264His)

Gene: ANKRD1 (ankyrin repeat domain 1; minus strand). Cytogenetic location: 10q23.31.
Variant type: single nucleotide variant.
Coding change: c.791G>A on transcript NM_014391.3 (MANE Select); coding-DNA position 791, G replaced by A.
Protein change: p.Arg264His; replaces arginine 264 with histidine.
Molecular consequence: missense variant.
Genome position (GRCh38, 1-based): chr10:90,915,601, C>T on the plus strand (G>A on the coding strand, the complement: ANKRD1 is on the minus strand). VCF-style: chr10-90915601-C-T. GRCh37 (hg19) VCF-style: chr10-92675358-C-T.
Other names: short protein forms R264H.
Identifiers: ClinVar variation 1715051 (VCV001715051.5), dbSNP rs2492955138, ClinGen allele CA377549707.